The following is an entry in ClinVar:

ClinVar aggregate classification (germline): Uncertain significance (1 of 4 stars; one submission).

Conditions:
POMC-related disorder. Also called: POMC-related disorders; POMC-related condition.

gnomAD v4.1: 2 of 1,614,022 alleles (0.00012%); highest among the groups gnomAD compares: East Asian, 0.0022%; no homozygotes.

Submission:

PreventionGenetics, part of Exact Sciences
Classification: Uncertain significance for POMC-related condition. Last evaluated: 2026-05-21. Review status: criteria provided, single submitter. Criteria: ACMG Guidelines, 2015. Collection method: clinical testing. Allele origin: germline.
Comment: The POMC c.71T>A variant is predicted to result in the amino acid substitution p.Val24Glu. To our knowledge, this variant has not been reported in a large population database (gnomAD), indicating this variant is rare. This variant was observed in a cohort of individuals with obesity, and in vitro functional studies showed this variant did not reduce protein function and could cause increased function (Supplemental Data Set 3, Shah et al. 2023. PubMed ID: 36864747). At this time, the clinical significance of this variant is uncertain due to the absence of conclusive functional and genetic evidence.

NM_000939.4(POMC):c.71T>A (p.Val24Glu)

Gene: POMC (proopiomelanocortin; minus strand). Cytogenetic location: 2p23.3.
Variant type: single nucleotide variant.
Coding change: c.71T>A on transcript NM_000939.4 (MANE Select); coding-DNA position 71, T replaced by A.
Protein change: p.Val24Glu; replaces valine 24 with glutamic acid.
Molecular consequence: missense variant.
Genome position (GRCh38, 1-based): chr2:25,164,702, A>T on the plus strand (T>A on the coding strand, the complement: POMC is on the minus strand). VCF-style: chr2-25164702-A-T. GRCh37 (hg19) VCF-style: chr2-25387571-A-T.
Other names: c.71T>A, p.Val24Glu (NM_001035256.3, NM_001319204.2, NM_001319205.2); short protein forms V24E.
Identifiers: ClinVar variation 4994553 (VCV004994553.1).